The following is an entry in ClinVar:

ClinVar aggregate classification (germline): Uncertain significance (1 of 4 stars; one submission).

Conditions:
DICER1-related tumor predisposition. Also called: DICER1 syndrome; DICER1-related pleuropulmonary blastoma cancer predisposition syndrome. Identifiers: Orphanet 284343, MedGen C3839822, MONDO:0100216.

Submission:

Labcorp Genetics (formerly Invitae), Labcorp
Classification: Uncertain significance for DICER1-related tumor predisposition. Last evaluated: 2020-02-17. Review status: criteria provided, single submitter. Criteria: Invitae Variant Classification Sherloc (09022015). Collection method: clinical testing. Allele origin: germline.
Comment: This variant has not been reported in the literature in individuals with DICER1-related conditions. This sequence change replaces tyrosine with phenylalanine at codon 1694 of the DICER1 protein (p.Tyr1694Phe). The tyrosine residue is highly conserved and there is a small physicochemical difference between tyrosine and phenylalanine. This variant is not present in population databases (ExAC no frequency). Algorithms developed to predict the effect of missense changes on protein structure and function are either unavailable or do not agree on the potential impact of this missense change (SIFT: "Tolerated"; PolyPhen-2: "Possibly Damaging"; Align-GVGD: "Class C0"). In summary, the available evidence is currently insufficient to determine the role of this variant in disease. Therefore, it has been classified as a Variant of Uncertain Significance.

NM_177438.3(DICER1):c.5081A>T (p.Tyr1694Phe)

Gene: DICER1 (dicer 1, ribonuclease III; minus strand). Cytogenetic location: 14q32.13.
Variant type: single nucleotide variant.
Coding change: c.5081A>T on transcript NM_177438.3 (MANE Select); coding-DNA position 5081, A replaced by T.
Protein change: p.Tyr1694Phe; replaces tyrosine 1694 with phenylalanine.
Molecular consequence: missense variant.
Genome position (GRCh38, 1-based): chr14:95,095,839, T>A on the plus strand (A>T on the coding strand, the complement: DICER1 is on the minus strand). VCF-style: chr14-95095839-T-A. GRCh37 (hg19) VCF-style: chr14-95562176-T-A.
Other names: c.5081A>T, p.Tyr1694Phe (NM_001195573.1, NM_001271282.3, NM_001291628.2 and 1 more transcripts); short protein forms Y1694F.
Identifiers: ClinVar variation 1027309 (VCV001027309.10), dbSNP rs1890257592, ClinGen allele CA390865911.